The following is an entry in ClinVar:

NM_001142800.2(EYS):c.7883G>A (p.Ser2628Asn)

Gene: EYS (EGF-like photoreceptor maintenance factor; minus strand). Cytogenetic location: 6q12.
Variant type: single nucleotide variant.
Coding change: c.7883G>A on transcript NM_001142800.2 (MANE Select); coding-DNA position 7883, G replaced by A.
Protein change: p.Ser2628Asn; replaces serine 2628 with asparagine.
Molecular consequence: missense variant.
Genome position (GRCh38, 1-based): chr6:63,778,021, C>T on the plus strand (G>A on the coding strand, the complement: EYS is on the minus strand). VCF-style: chr6-63778021-C-T. GRCh37 (hg19) VCF-style: chr6-64487914-C-T.
Other names: c.7883G>A, p.Ser2628Asn (NM_001292009.2); short protein forms S2628N.
Identifiers: ClinVar variation 2414026 (VCV002414026.6), dbSNP rs2533517459, ClinGen allele CA364390432.

ClinVar aggregate classification (germline): Uncertain significance (1 of 4 stars; one submission).

Allele frequency attached by ClinVar (database versions not stated): gnomAD exomes below 0.00001.
gnomAD v4.1: 2 of 1,551,674 alleles (0.00013%); highest among the groups gnomAD compares: Non-Finnish European, 0.00017%; no homozygotes.

Submission:

Labcorp Genetics (formerly Invitae), Labcorp
Classification: Uncertain significance. Last evaluated: 2025-03-10. Review status: criteria provided, single submitter. Criteria: Invitae Variant Classification Sherloc (09022015). Collection method: clinical testing. Allele origin: germline.
Comment: This sequence change replaces serine, which is neutral and polar, with asparagine, which is neutral and polar, at codon 2628 of the EYS protein (p.Ser2628Asn). This variant is not present in population databases (gnomAD no frequency). This variant has not been reported in the literature in individuals affected with EYS-related conditions. ClinVar contains an entry for this variant (Variation ID: 2414026). Invitae Evidence Modeling of protein sequence and biophysical properties (such as structural, functional, and spatial information, amino acid conservation, physicochemical variation, residue mobility, and thermodynamic stability) indicates that this missense variant is not expected to disrupt EYS protein function with a negative predictive value of 80%. In summary, the available evidence is currently insufficient to determine the role of this variant in disease. Therefore, it has been classified as a Variant of Uncertain Significance.